The following is an entry in ClinVar:

ClinVar aggregate classification (germline): Uncertain significance (1 of 4 stars; one submission).

Submission:

Laboratory for Molecular Medicine, Mass General Brigham Personalized Medicine
Classification: Uncertain significance. Last evaluated: 2019-09-27. Review status: criteria provided, single submitter. Criteria: LMM Criteria. Collection method: clinical testing. Allele origin: germline. Observed: 1 variant allele.
Comment: The p.Val26369Glu variant in TTN has not been previously reported in individuals with cardiomyopathy and was absent from large population studies. Computational prediction tools and conservation analyses do not provide strong support for or against an impact to the protein. In summary, the clinical significance of this variant is uncertain. ACMG/AMP Criteria applied: PM2.

NM_001267550.2(TTN):c.86810T>A (p.Val28937Glu)

Genes: TTN (titin; minus strand), TTN-AS1 (TTN antisense RNA 1; plus strand). Cytogenetic location: 2q31.2.
Variant type: single nucleotide variant.
Coding change: c.86810T>A on transcript NM_001267550.2 (MANE Select); coding-DNA position 86810, T replaced by A.
Protein change: p.Val28937Glu; replaces valine 28937 with glutamic acid.
Molecular consequence: missense variant.
Genome position (GRCh38, 1-based): chr2:178,559,322, A>T on the plus strand (T>A on the coding strand, the complement: TTN is on the minus strand). VCF-style: chr2-178559322-A-T. GRCh37 (hg19) VCF-style: chr2-179424049-A-T.
Other names: c.81887T>A, p.Val27296Glu (NM_001256850.1); c.59615T>A, p.Val19872Glu (NM_003319.4); c.79106T>A, p.Val26369Glu (NM_133378.4); c.59990T>A, p.Val19997Glu (NM_133432.3); c.60191T>A, p.Val20064Glu (NM_133437.4); short protein forms V19997E, V19872E, V20064E, V26369E, V27296E, V28937E.
Identifiers: ClinVar variation 930175 (VCV000930175.4), dbSNP rs1702746268, ClinGen allele CA349541319.